The following is an entry in ClinVar:

ClinVar aggregate classification (germline): Uncertain significance (1 of 4 stars; one submission).

Conditions:
Cardiovascular phenotype. Identifiers: MedGen CN230736.

Submission:

Ambry Genetics
Classification: Uncertain significance for Cardiovascular phenotype. Last evaluated: 2025-01-11. Review status: criteria provided, single submitter. Criteria: Ambry Variant Classification Scheme 2023. Collection method: clinical testing. Allele origin: germline.
Comment: The p.Q424E variant (also known as c.1270C>G), located in coding exon 5 of the ALPK3 gene, results from a C to G substitution at nucleotide position 1270. The glutamine at codon 424 is replaced by glutamic acid, an amino acid with highly similar properties. This amino acid position is conserved. In addition, this alteration is predicted to be tolerated by in silico analysis. Based on the available evidence, the clinical significance of this variant remains unclear.

NM_020778.5(ALPK3):c.664C>G (p.Gln222Glu)

Gene: ALPK3 (alpha kinase 3; plus strand). Cytogenetic location: 15q25.3.
Variant type: single nucleotide variant.
Coding change: c.664C>G on transcript NM_020778.5 (MANE Select); coding-DNA position 664, C replaced by G.
Protein change: p.Gln222Glu; replaces glutamine 222 with glutamic acid.
Molecular consequence: missense variant.
Genome position (GRCh38, 1-based): chr15:84,839,943, C>G. VCF-style: chr15-84839943-C-G. GRCh37 (hg19) VCF-style: chr15-85383174-C-G.
Other names: short protein forms Q222E.
Identifiers: ClinVar variation 3859315 (VCV003859315.1).